The following is an entry in ClinVar:

ClinVar aggregate classification (germline): Uncertain significance (1 of 4 stars; one submission).

Allele frequency attached by ClinVar (database versions not stated): ESP Exome Variant Server 0.00008.
gnomAD v4.1: 21 of 1,614,188 alleles (0.0013%); highest among the groups gnomAD compares: African/African-American, 0.0027%; no homozygotes.

Submission:

Labcorp Genetics (formerly Invitae), Labcorp
Classification: Uncertain significance. Last evaluated: 2024-02-17. Review status: criteria provided, single submitter. Criteria: Invitae Variant Classification Sherloc (09022015). Collection method: clinical testing. Allele origin: germline.
Comment: This sequence change replaces arginine, which is basic and polar, with tryptophan, which is neutral and slightly polar, at codon 251 of the CXCR2 protein (p.Arg251Trp). This variant is present in population databases (rs373547007, gnomAD 0.006%). This variant has not been reported in the literature in individuals affected with CXCR2-related conditions. ClinVar contains an entry for this variant (Variation ID: 1360937). An algorithm developed to predict the effect of missense changes on protein structure and function (PolyPhen-2) suggests that this variant is likely to be disruptive. In summary, the available evidence is currently insufficient to determine the role of this variant in disease. Therefore, it has been classified as a Variant of Uncertain Significance.

NM_001557.4(CXCR2):c.751C>T (p.Arg251Trp)

Gene: CXCR2 (C-X-C motif chemokine receptor 2; plus strand). Cytogenetic location: 2q35.
Variant type: single nucleotide variant.
Coding change: c.751C>T on transcript NM_001557.4 (MANE Select); coding-DNA position 751, C replaced by T.
Protein change: p.Arg251Trp; replaces arginine 251 with tryptophan.
Molecular consequence: missense variant.
Genome position (GRCh38, 1-based): chr2:218,135,552, C>T. VCF-style: chr2-218135552-C-T. GRCh37 (hg19) VCF-style: chr2-219000275-C-T.
Other names: c.751C>T, p.Arg251Trp (NM_001168298.2); short protein forms R251W.
Identifiers: ClinVar variation 1360937 (VCV001360937.7), dbSNP rs373547007, ClinGen allele CA2101775.